The following is an entry in ClinVar:

NM_052947.4(ALPK2):c.1075A>G (p.Ser359Gly)

Genes: ALPK2 (alpha kinase 2; minus strand), LOC114803473 (ALPK2 eExon liver enhancer; plus strand). Cytogenetic location: 18q21.31.
Variant type: single nucleotide variant.
Coding change: c.1075A>G on transcript NM_052947.4 (MANE Select); coding-DNA position 1075, A replaced by G.
Protein change: p.Ser359Gly; replaces serine 359 with glycine.
Molecular consequence: missense variant.
Genome position (GRCh38, 1-based): chr18:58,579,701, T>C on the plus strand (A>G on the coding strand, the complement: ALPK2 is on the minus strand). VCF-style: chr18-58579701-T-C. GRCh37 (hg19) VCF-style: chr18-56246933-T-C.
Other names: short protein forms S359G.
Identifiers: ClinVar variation 2449278 (VCV002449278.2), dbSNP rs1490618110, ClinGen allele CA402564836.
Genomic context (GRCh38, chr18:58,579,701, plus strand): 5'-TGAGGAAATGCTCACACCCACCCAGGCAATGCTCACCGAATTCCATCTCTTCGTCATCGC[T>C]TTCTAATAAAAAAACATGCTCAGTCCCCAGCAGGTTCCTTTGCCAAACTGCATTAGAGTA-3'
Protein context (NP_443179.3, residues 349-369): LGTEHVFLLE[Ser359Gly]DDEEMEFGEH

ClinVar aggregate classification (germline): Uncertain significance (1 of 4 stars; one submission).

Submission:

Ambry Genetics
Classification: Uncertain significance. Last evaluated: 2023-02-06. Review status: criteria provided, single submitter. Criteria: Ambry Variant Classification Scheme 2023. Collection method: clinical testing. Allele origin: germline.
Comment: The p.S359G variant (also known as c.1075A>G), located in coding exon 3 of the ALPK2 gene, results from an A to G substitution at nucleotide position 1075. The serine at codon 359 is replaced by glycine, an amino acid with similar properties. This amino acid position is conserved. In addition, this alteration is predicted to be tolerated by in silico analysis. Since supporting evidence is limited at this time, the clinical significance of this alteration remains unclear.